The following is an entry in ClinVar:

NM_206933.4(USH2A):c.6989A>G (p.Glu2330Gly)

Gene: USH2A (usherin; minus strand). Cytogenetic location: 1q41.
Variant type: single nucleotide variant.
Coding change: c.6989A>G on transcript NM_206933.4 (MANE Select); coding-DNA position 6989, A replaced by G.
Protein change: p.Glu2330Gly; replaces glutamic acid 2330 with glycine.
Molecular consequence: missense variant.
Genome position (GRCh38, 1-based): chr1:215,965,448, T>C on the plus strand (A>G on the coding strand, the complement: USH2A is on the minus strand). VCF-style: chr1-215965448-T-C. GRCh37 (hg19) VCF-style: chr1-216138790-T-C.
Other names: short protein forms E2330G.
Identifiers: ClinVar variation 967166 (VCV000967166.18), dbSNP rs138992047, ClinGen allele CA1394974.
Genomic context (GRCh38, chr1:215,965,448, plus strand): 5'-TCCCACCTCACGTGGGCTTTCCGGGATCCCTGTGTTTTGACAAACACATTTACTGTTCCT[T>C]CAGGAGGAGCTTCTAGAGTTCGATTTTCCACCTGTGAGTATAAAAAGATTTATTTTTGTT-3'
Protein context (NP_996816.3, residues 2320-2340): VENRTLEAPP[Glu2330Gly]GTVNVFVKTQ

ClinVar aggregate classification (germline): Conflicting classifications of pathogenicity. Review status: criteria provided, conflicting classifications (1 of 4 stars). 5 submissions from 5 submitters: Uncertain significance (3); Likely benign (2). Last evaluated 2026-01-25.

Conditions:
USH2A-related disorder. Also called: USH2A-related disorders; USH2A-related condition. Identifiers: MedGen CN239332.
Inborn genetic diseases. Identifiers: MedGen C0950123, MeSH D030342.

Allele frequency attached by ClinVar (database versions not stated): gnomAD exomes 0.00006 and 0.00013; ExAC 0.00014; 1000 Genomes Project 0.00040; 1000 Genomes Project 30x 0.00047; gnomAD 0.00052 and 0.00057; ESP Exome Variant Server 0.00054; TOPMed 0.00061.
gnomAD v4.1: 164 of 1,613,714 alleles (0.01%); highest among the groups gnomAD compares: African/African-American, 0.2%; no homozygotes.

Submissions (5):

Labcorp Genetics (formerly Invitae), Labcorp
Classification: Likely benign. Last evaluated: 2026-01-25. Review status: criteria provided, single submitter. Criteria: Invitae Variant Classification Sherloc (09022015). Collection method: clinical testing. Allele origin: germline.

Ambry Genetics
Classification: Uncertain significance for Inborn genetic diseases. Last evaluated: 2025-08-20. Review status: criteria provided, single submitter. Criteria: Ambry Variant Classification Scheme 2023. Collection method: clinical testing. Allele origin: germline.

GeneDx
Classification: Uncertain significance. Last evaluated: 2025-07-11. Review status: criteria provided, single submitter. Criteria: GeneDx Variant Classification Process June 2021. Collection method: clinical testing. Allele origin: germline. Affected: yes.
Comment: In silico analysis supports that this missense variant has a deleterious effect on protein structure/function; Has not been previously published as pathogenic or benign to our knowledge

PreventionGenetics, part of Exact Sciences
Classification: Likely benign for USH2A-related condition. Last evaluated: 2024-12-09. Review status: criteria provided, single submitter. Criteria: ACMG Guidelines, 2015. Collection method: clinical testing. Allele origin: germline.
Comment: This variant is classified as likely benign based on ACMG/AMP sequence variant interpretation guidelines (Richards et al. 2015 PMID: 25741868, with internal and published modifications).

Blueprint Genetics
Classification: Uncertain significance. Last evaluated: 2022-11-30. Review status: criteria provided, single submitter. Criteria: ACMG Guidelines, 2015. Collection method: clinical testing. Allele origin: germline.